The following is an entry in ClinVar:

ClinVar aggregate classification (germline): Uncertain significance (1 of 4 stars; one submission).

Conditions:
Bethlem myopathy 1A. Also called: Bethlem myopathy 1; MYOPATHY, BENIGN CONGENITAL, WITH CONTRACTURES; Bethlem Muscular Dystrophy. Identifiers: Orphanet 610, MedGen CN029274, MONDO:0024530, OMIM 158810.

Allele frequency attached by ClinVar (database versions not stated): gnomAD exomes below 0.00001; gnomAD 0.00001; TOPMed 0.00001.
gnomAD v4.1: 5 of 1,613,876 alleles (0.00031%); highest among the groups gnomAD compares: Non-Finnish European, 0.00034%; no homozygotes.

Submission:

Labcorp Genetics (formerly Invitae), Labcorp
Classification: Uncertain significance for Bethlem myopathy 1A. Last evaluated: 2022-10-05. Review status: criteria provided, single submitter. Criteria: Invitae Variant Classification Sherloc (09022015). Collection method: clinical testing. Allele origin: germline.
Comment: In summary, the available evidence is currently insufficient to determine the role of this variant in disease. Therefore, it has been classified as a Variant of Uncertain Significance. Advanced modeling of protein sequence and biophysical properties (such as structural, functional, and spatial information, amino acid conservation, physicochemical variation, residue mobility, and thermodynamic stability) performed at Invitae indicates that this missense variant is not expected to disrupt COL6A3 protein function. This variant has not been reported in the literature in individuals affected with COL6A3-related conditions. This variant is not present in population databases (gnomAD no frequency). This sequence change replaces alanine, which is neutral and non-polar, with aspartic acid, which is acidic and polar, at codon 2958 of the COL6A3 protein (p.Ala2958Asp).

NM_004369.4(COL6A3):c.8873C>A (p.Ala2958Asp)

Gene: COL6A3 (collagen type VI alpha 3 chain; minus strand). Cytogenetic location: 2q37.3.
Variant type: single nucleotide variant.
Coding change: c.8873C>A on transcript NM_004369.4 (MANE Select); coding-DNA position 8873, C replaced by A.
Protein change: p.Ala2958Asp; replaces alanine 2958 with aspartic acid.
Molecular consequence: missense variant.
Genome position (GRCh38, 1-based): chr2:237,336,227, G>T on the plus strand (C>A on the coding strand, the complement: COL6A3 is on the minus strand). VCF-style: chr2-237336227-G-T. GRCh37 (hg19) VCF-style: chr2-238244870-G-T.
Other names: c.7052C>A, p.Ala2351Asp (NM_057166.5); c.8255C>A, p.Ala2752Asp (NM_057167.4); short protein forms A2752D, A2351D, A2958D.
Identifiers: ClinVar variation 1911381 (VCV001911381.5), dbSNP rs1329231831, ClinGen allele CA351191185.
Genomic context (GRCh38, chr2:237,336,227, plus strand): 5'-GCTGGTTTGGCTGCCTGTGGCCTAGGGACCTCAGGCTTGGTCGCCACTGGTTTTGCAGCA[G>T]CAGCAGCGGGGGGTCTTACAGCTGCTGGCTTTGCTGCTACAGGCTTCGCTGCCGTTGCTG-3'
Protein context (NP_004360.2, residues 2948-2968): KPAAVRPPAA[Ala2958Asp]AAKPVATKPE